The following is an entry in ClinVar:

ClinVar aggregate classification (germline): Pathogenic (1 of 4 stars; one submission).

Conditions:
Hereditary cancer-predisposing syndrome. Also called: Hereditary neoplastic syndrome; Neoplastic Syndromes, Hereditary; Tumor predisposition; Hereditary Cancer Syndrome. Identifiers: Orphanet 140162, MedGen C0027672, MeSH D009386, MONDO:0015356.

Submission:

Ambry Genetics
Classification: Pathogenic for Hereditary cancer-predisposing syndrome. Last evaluated: 2025-07-28. Review status: criteria provided, single submitter. Criteria: Ambry Variant Classification Scheme 2023. Collection method: clinical testing. Allele origin: germline.
Comment: The p.L345* pathogenic mutation (also known as c.1034T>G), located in coding exon 4 of the PALB2 gene, results from a T to G substitution at nucleotide position 1034. This changes the amino acid from a leucine to a stop codon within coding exon 4. This variant is considered to be rare based on population cohorts in the Genome Aggregation Database (gnomAD). This alteration is expected to result in loss of function by premature protein truncation or nonsense-mediated mRNA decay. As such, this alteration is interpreted as a disease-causing mutation.

NM_024675.4(PALB2):c.1034T>G (p.Leu345Ter)

Gene: PALB2 (partner and localizer of BRCA2; minus strand). Cytogenetic location: 16p12.2.
Variant type: single nucleotide variant.
Coding change: c.1034T>G on transcript NM_024675.4 (MANE Select); coding-DNA position 1034, T replaced by G.
Protein change: p.Leu345Ter; replaces leucine 345 with a stop codon.
Molecular consequence: nonsense. On other transcripts: intron variant (3).
Genome position (GRCh38, 1-based): chr16:23,635,512, A>C on the plus strand (T>G on the coding strand, the complement: PALB2 is on the minus strand). VCF-style: chr16-23635512-A-C. GRCh37 (hg19) VCF-style: chr16-23646833-A-C.
Other names: c.1034T>G, p.Leu345Ter (NM_001407300.1, NM_001407301.1, NM_001407302.1 and 3 more transcripts); c.149T>G, p.Leu50Ter (NM_001407304.1, NM_001407305.1, NM_001407306.1 and 5 more transcripts); c.48+5598T>G (NM_001407314.1); c.-104-5043T>G (NM_001407313.1, NM_001407312.1); c.974T>G, p.Leu325Ter (NM_001407296.1); short protein forms L345*, L325*, L50*.
Identifiers: ClinVar variation 4130324 (VCV004130324.1).
Genomic context (GRCh38, chr16:23,635,512, plus strand): 5'-CTGCCATCAAGAGTGTCACTGGGAGATTTTAAAGATTTCTCTGTTTGATTTTGTTCTTTT[A>C]AGTTTTGGTTTTCATTTGCTGGTAAGTTATTGTAGGTGAGTTCATTTAGAGAACATGAAA-3'